The following is an entry in ClinVar:

NM_001853.4(COL9A3):c.793G>A (p.Gly265Ser)

Gene: COL9A3 (collagen type IX alpha 3 chain; plus strand). Cytogenetic location: 20q13.33.
Variant type: single nucleotide variant.
Coding change: c.793G>A on transcript NM_001853.4 (MANE Select); coding-DNA position 793, G replaced by A.
Protein change: p.Gly265Ser; replaces glycine 265 with serine.
Molecular consequence: missense variant.
Genome position (GRCh38, 1-based): chr20:62,827,241, G>A. VCF-style: chr20-62827241-G-A. GRCh37 (hg19) VCF-style: chr20-61458593-G-A.
Other names: short protein forms G265S.
Identifiers: ClinVar variation 3689646 (VCV003689646.2).

ClinVar aggregate classification (germline): Uncertain significance (1 of 4 stars; one submission).

gnomAD v4.1: 11 of 1,613,152 alleles (0.00068%); highest among the groups gnomAD compares: Non-Finnish European, 0.00085%; no homozygotes.

Submission:

Labcorp Genetics (formerly Invitae), Labcorp
Classification: Uncertain significance. Last evaluated: 2024-02-24. Review status: criteria provided, single submitter. Criteria: Invitae Variant Classification Sherloc (09022015). Collection method: clinical testing. Allele origin: germline.
Comment: This sequence change replaces glycine, which is neutral and non-polar, with serine, which is neutral and polar, at codon 265 of the COL9A3 protein (p.Gly265Ser). This variant is not present in population databases (gnomAD no frequency). This variant has not been reported in the literature in individuals affected with COL9A3-related conditions. Experimental studies and prediction algorithms are not available or were not evaluated, and the functional significance of this variant is currently unknown. In summary, the available evidence is currently insufficient to determine the role of this variant in disease. Therefore, it has been classified as a Variant of Uncertain Significance.